The following is an entry in ClinVar:

NM_007126.5(VCP):c.1916T>A (p.Leu639His)

Gene: VCP (valosin containing protein; minus strand). Cytogenetic location: 9p13.3.
Variant type: single nucleotide variant.
Coding change: c.1916T>A on transcript NM_007126.5 (MANE Select); coding-DNA position 1916, T replaced by A.
Protein change: p.Leu639His; replaces leucine 639 with histidine.
Molecular consequence: missense variant.
Genome position (GRCh38, 1-based): chr9:35,059,581, A>T on the plus strand (T>A on the coding strand, the complement: VCP is on the minus strand). VCF-style: chr9-35059581-A-T. GRCh37 (hg19) VCF-style: chr9-35059578-A-T.
Other names: c.1781T>A, p.Leu594His (NM_001354927.2, NM_001354928.2); short protein forms L594H, L639H.
Identifiers: ClinVar variation 3342920 (VCV003342920.1).

ClinVar aggregate classification (germline): Uncertain significance (1 of 4 stars; one submission).

Submission:

GeneDx
Classification: Uncertain significance. Last evaluated: 2023-04-10. Review status: criteria provided, single submitter. Criteria: GeneDx Variant Classification Process June 2021. Collection method: clinical testing. Allele origin: germline. Affected: yes.
Comment: Not observed at significant frequency in large population cohorts (gnomAD); In silico analysis supports that this missense variant has a deleterious effect on protein structure/function; Has not been previously published as pathogenic or benign to our knowledge